The following is an entry in ClinVar:

NM_005807.6(PRG4):c.-1G>A

Gene: PRG4 (proteoglycan 4; plus strand). Cytogenetic location: 1q31.1.
Variant type: single nucleotide variant.
Coding change: c.-1G>A on transcript NM_005807.6 (MANE Select); 1 bases upstream of the start codon, G replaced by A.
Molecular consequence: 5 prime UTR variant.
Genome position (GRCh38, 1-based): chr1:186,296,875, G>A. VCF-style: chr1-186296875-G-A. GRCh37 (hg19) VCF-style: chr1-186266007-G-A.
Other names: c.-1G>A (NM_001127708.3, NM_001127709.3, NM_001127710.3 and 1 more transcripts).
Identifiers: ClinVar variation 3051358 (VCV003051358.2), dbSNP rs149511072, ClinGen allele CA1295695.

ClinVar aggregate classification (germline): Likely benign (0 of 4 stars; one submission).

Conditions:
PRG4-related disorder. Also called: PRG4-related condition.

Allele frequency attached by ClinVar (database versions not stated): ExAC 0.00003; gnomAD 0.00004; TOPMed 0.00004; ESP Exome Variant Server 0.00008.

Submission:

PreventionGenetics, part of Exact Sciences
Classification: Likely benign for PRG4-related condition. Last evaluated: 2020-02-14. Review status: no assertion criteria provided. Collection method: clinical testing. Allele origin: germline.
Comment: This variant is classified as likely benign based on ACMG/AMP sequence variant interpretation guidelines (Richards et al. 2015 PMID: 25741868, with internal and published modifications).